The following is an entry in ClinVar:

ClinVar aggregate classification (germline): Uncertain significance (1 of 4 stars; one submission).

Submission:

GeneDx
Classification: Uncertain significance. Last evaluated: 2025-05-09. Review status: criteria provided, single submitter. Criteria: GeneDx Variant Classification Process June 2021. Collection method: clinical testing. Allele origin: germline. Affected: yes.
Comment: Not observed at significant frequency in large population cohorts (gnomAD); In silico analysis suggests that this missense variant does not alter protein structure/function; Has not been previously published as pathogenic or benign to our knowledge

NM_003128.3(SPTBN1):c.211G>T (p.Val71Leu)

Gene: SPTBN1 (spectrin beta, non-erythrocytic 1; plus strand). Cytogenetic location: 2p16.2.
Variant type: single nucleotide variant.
Coding change: c.211G>T on transcript NM_003128.3 (MANE Select); coding-DNA position 211, G replaced by T.
Protein change: p.Val71Leu; replaces valine 71 with leucine.
Molecular consequence: missense variant.
Genome position (GRCh38, 1-based): chr2:54,599,154, G>T. VCF-style: chr2-54599154-G-T. GRCh37 (hg19) VCF-style: chr2-54826291-G-T.
Other names: c.172G>T, p.Val58Leu (NM_178313.3); short protein forms V58L, V71L.
Identifiers: ClinVar variation 4528034 (VCV004528034.1).
Genomic context (GRCh38, chr2:54,599,154, plus strand): 5'-GAGCGTGAAGCCGTGCAGAAGAAGACCTTCACCAAGTGGGTCAATTCCCACCTTGCCCGT[G>T]TGTCCTGCCGGATCACAGACCTGTACACTGACCTTCGAGATGGACGGATGCTCATCAAGC-3'
Protein context (NP_003119.2, residues 61-81): TKWVNSHLAR[Val71Leu]SCRITDLYTD